The following is an entry in ClinVar:

NM_152296.5(ATP1A3):c.243G>A (p.Lys81=)

Gene: ATP1A3 (ATPase Na+/K+ transporting subunit alpha 3; minus strand). Cytogenetic location: 19q13.2.
Variant type: single nucleotide variant.
Coding change: c.243G>A on transcript NM_152296.5 (MANE Select); coding-DNA position 243, G replaced by A.
Protein change: p.Lys81=; no amino-acid change (lysine 81 retained).
Molecular consequence: synonymous variant.
Genome position (GRCh38, 1-based): chr19:41,988,050, C>T on the plus strand (G>A on the coding strand, the complement: ATP1A3 is on the minus strand). VCF-style: chr19-41988050-C-T. GRCh37 (hg19) VCF-style: chr19-42492202-C-T.
Other names: c.276G>A, p.Lys92= (NM_001256213.2); c.282G>A, p.Lys94= (NM_001256214.2).
Identifiers: ClinVar variation 779775 (VCV000779775.15), dbSNP rs782433549, ClinGen allele CA9467914.

ClinVar aggregate classification (germline): Likely benign. Review status: criteria provided, multiple submitters, no conflicts (2 of 4 stars). 4 submissions from 4 submitters: Likely benign (4). Last evaluated 2025-10-07.

Conditions:
Dystonia 12 (DYT12). Also called: DYT-ATP1A3; Rapid-Onset Dystonia-Parkinsonism (RDP). Identifiers: Orphanet 71517, MedGen C1868681, MONDO:0007496, OMIM 128235.

Allele frequency attached by ClinVar (database versions not stated): gnomAD 0.00003 and 0.00004; TOPMed 0.00003; gnomAD exomes 0.00006 and 0.00008; ExAC 0.00014.
gnomAD v4.1: 105 of 1,614,068 alleles (0.0065%); highest among the groups gnomAD compares: Non-Finnish European, 0.007%; no homozygotes.

Submissions (4):

Labcorp Genetics (formerly Invitae), Labcorp
Classification: Likely benign for Dystonia 12. Last evaluated: 2025-10-07. Review status: criteria provided, single submitter. Criteria: Invitae Variant Classification Sherloc (09022015). Collection method: clinical testing. Allele origin: germline.

Blueprint Genetics
Classification: Likely benign. Last evaluated: 2024-09-03. Review status: criteria provided, single submitter. Criteria: ACMG Guidelines, 2015. Collection method: clinical testing. Allele origin: germline.

Women's Health and Genetics/Laboratory Corporation of America, LabCorp
Classification: Likely benign. Last evaluated: 2024-03-14. Review status: criteria provided, single submitter. Criteria: LabCorp Variant Classification Summary - May 2015. Collection method: clinical testing. Allele origin: germline.
Comment: Variant summary: ATP1A3 c.243G>A alters a conserved nucleotide resulting in a synonymous change. Two out of four computational tools predict a significant impact on normal splicing: One predict the variant strengthens a cryptic 3' acceptor site and one predicts the variant creates a 3' acceptor site. However, these predictions have yet to be confirmed by functional studies. The variant allele was found at a frequency of 8.4e-05 in 251476 control chromosomes. This frequency is not significantly higher than estimated for a pathogenic variant in ATP1A3 causing ATP1A3-Related Disorders, allowing no conclusion about variant significance. To our knowledge, no occurrence of c.243G>A in individuals affected with ATP1A3-Related Disorders and no experimental evidence demonstrating its impact on protein function have been reported. ClinVar contains an entry for this variant (Variation ID: 779775). Based on the evidence outlined above, the variant was classified as likely benign.

GeneDx
Classification: Likely benign. Last evaluated: 2020-08-31. Review status: criteria provided, single submitter. Criteria: GeneDx Variant Classification Process June 2021. Collection method: clinical testing. Allele origin: germline. Affected: yes.